The following continues an entry in ClinVar:

NM_001267550.2(TTN):c.101212C>T (p.Arg33738Cys)

ClinVar aggregate classification (germline): Conflicting classifications of pathogenicity. Uncertain significance (1); Benign (11); Likely benign (10).

Submissions 16 to 28 of 28:

Illumina Laboratory Services, Illumina
Classification: Benign for Tibial muscular dystrophy. Last evaluated: 2018-01-12. Review status: criteria provided, single submitter. Criteria: ICSL Variant Classification Criteria 13 December 2019. Collection method: clinical testing. Allele origin: germline.
Comment: This variant was observed in the ICSL laboratory as part of a predisposition screen in an ostensibly healthy population. It had not been previously curated by ICSL or reported in the Human Gene Mutation Database (HGMD: prior to June 1st, 2018), and was therefore a candidate for classification through an automated scoring system. Utilizing variant allele frequency, disease prevalence and penetrance estimates, and inheritance mode, an automated score was calculated to assess if this variant is too frequent to cause the disease. Based on the score and internal cut-off values, a variant classified as benign is not then subjected to further curation. The score for this variant resulted in a classification of benign for this disease.

CHEO Genetics Diagnostic Laboratory, Children's Hospital of Eastern Ontario
Classification: Benign for Cardiomyopathy. Last evaluated: 2017-11-09. Review status: criteria provided, single submitter. Criteria: ACMG Guidelines, 2015. Collection method: clinical testing. Allele origin: germline.

Eurofins Ntd Llc (ga)
Classification: Benign. Last evaluated: 2015-07-24. Review status: criteria provided, single submitter. Criteria: EGL Classification Definitions 2015. Collection method: clinical testing. Allele origin: germline. Observed: 2 variant alleles, 2 heterozygotes.

Laboratory for Molecular Medicine, Mass General Brigham Personalized Medicine
Classification: Likely benign. Last evaluated: 2015-03-24. Review status: criteria provided, single submitter. Criteria: LMM Criteria. Collection method: clinical testing. Allele origin: germline. Observed: 28 variant alleles.
Comment: p.Arg31170Cys in exon 307 of TTN: This variant is not expected to have clinical significance because it has been identified in 0.8% (522/66702) of European chro mosomes, including 2 homozygotes, by the Exome Aggregation Consortium (ExAC; dbSNP rs56273463).

Genetic Services Laboratory, University of Chicago
Classification: Likely benign. Last evaluated: 2015-02-10. Review status: criteria provided, single submitter. Criteria: ACMG Guidelines, 2015. Collection method: clinical testing. Allele origin: germline.

Ambry Genetics
Classification: Likely benign for Cardiovascular phenotype. Last evaluated: 2012-12-10. Review status: criteria provided, single submitter. Criteria: Ambry Autosomal Dominant and X-Linked criteria (10/2015). Collection method: clinical testing. Allele origin: germline. Observed: 1 variant allele.

PreventionGenetics, part of Exact Sciences
Classification: Benign. Review status: criteria provided, single submitter. Criteria: ACMG Guidelines, 2015. Collection method: clinical testing. Allele origin: germline.

Clinical Genetics DNA and cytogenetics Diagnostics Lab, Erasmus MC, Erasmus Medical Center
Classification: Benign. Review status: no assertion criteria provided. Collection method: clinical testing. Allele origin: germline. Affected: yes. Study: VKGL Data-share Consensus. Not counted in ClinVar's aggregate classification.

Clinical Genetics, Academic Medical Center
Classification: Benign. Review status: no assertion criteria provided. Collection method: clinical testing. Allele origin: germline. Affected: yes. Study: VKGL Data-share Consensus. Not counted in ClinVar's aggregate classification.

Diagnostic Laboratory, Department of Genetics, University Medical Center Groningen
Classification: Likely benign. Review status: no assertion criteria provided. Collection method: clinical testing. Allele origin: germline. Affected: yes. Study: VKGL Data-share Consensus. Not counted in ClinVar's aggregate classification.

Genome Diagnostics Laboratory, University Medical Center Utrecht
Classification: Likely benign. Review status: no assertion criteria provided. Collection method: clinical testing. Allele origin: germline. Affected: yes. Study: VKGL Data-share Consensus. Not counted in ClinVar's aggregate classification.

Joint Genome Diagnostic Labs from Nijmegen and Maastricht, Radboudumc and MUMC+
Classification: Benign. Review status: no assertion criteria provided. Collection method: clinical testing. Allele origin: germline. Affected: yes. Study: VKGL Data-share Consensus. Not counted in ClinVar's aggregate classification.

Laboratory of Diagnostic Genome Analysis, Leiden University Medical Center (LUMC)
Classification: Likely benign. Review status: no assertion criteria provided. Collection method: clinical testing. Allele origin: germline. Affected: yes. Study: VKGL Data-share Consensus. Not counted in ClinVar's aggregate classification.

Literature cited by the submitters: PubMed 24503780 (cited by Women's Health and Genetics/Laboratory Corporation of America, LabCorp); PubMed 26516846 (cited by Women's Health and Genetics/Laboratory Corporation of America, LabCorp).